The following is an entry in ClinVar:

NM_004706.4(ARHGEF1):c.287T>C (p.Phe96Ser)

Gene: ARHGEF1 (Rho guanine nucleotide exchange factor 1; plus strand). Cytogenetic location: 19q13.2.
Variant type: single nucleotide variant.
Coding change: c.287T>C on transcript NM_004706.4 (MANE Select); coding-DNA position 287, T replaced by C.
Protein change: p.Phe96Ser; replaces phenylalanine 96 with serine.
Molecular consequence: missense variant. On other transcripts: intron variant (1).
Genome position (GRCh38, 1-based): chr19:41,892,086, T>C. VCF-style: chr19-41892086-T-C. GRCh37 (hg19) VCF-style: chr19-42396157-T-C.
Other names: c.332T>C, p.Phe111Ser (NM_199002.2); c.226-245T>C (NM_198977.2); short protein forms F111S, F96S.
Identifiers: ClinVar variation 1387100 (VCV001387100.6), dbSNP rs927400585, ClinGen allele CA308582707.

ClinVar aggregate classification (germline): Uncertain significance (1 of 4 stars; one submission).

Allele frequency attached by ClinVar (database versions not stated): gnomAD 0.00001; gnomAD exomes 0.00001.
gnomAD v4.1: 7 of 1,613,270 alleles (0.00043%); highest among the groups gnomAD compares: Non-Finnish European, 0.00059%; no homozygotes.

Submission:

Labcorp Genetics (formerly Invitae), Labcorp
Classification: Uncertain significance. Last evaluated: 2022-08-22. Review status: criteria provided, single submitter. Criteria: Invitae Variant Classification Sherloc (09022015). Collection method: clinical testing. Allele origin: germline.
Comment: In summary, the available evidence is currently insufficient to determine the role of this variant in disease. Therefore, it has been classified as a Variant of Uncertain Significance. Algorithms developed to predict the effect of missense changes on protein structure and function are either unavailable or do not agree on the potential impact of this missense change (SIFT: "Deleterious"; PolyPhen-2: "Probably Damaging"; Align-GVGD: "Class C0"). This variant is present in population databases (no rsID available, gnomAD 0.002%). This variant has not been reported in the literature in individuals affected with ARHGEF1-related conditions. ClinVar contains an entry for this variant (Variation ID: 1387100). This sequence change replaces phenylalanine, which is neutral and non-polar, with serine, which is neutral and polar, at codon 111 of the ARHGEF1 protein (p.Phe111Ser).